The following is an entry in ClinVar:

NM_000222.3(KIT):c.1442G>A (p.Ser481Asn)

Gene: KIT (KIT proto-oncogene, receptor tyrosine kinase; plus strand). Cytogenetic location: 4q12.
Variant type: single nucleotide variant.
Coding change: c.1442G>A on transcript NM_000222.3 (MANE Select); coding-DNA position 1442, G replaced by A.
Protein change: p.Ser481Asn; replaces serine 481 with asparagine.
Molecular consequence: missense variant.
Genome position (GRCh38, 1-based): chr4:54,725,952, G>A. VCF-style: chr4-54725952-G-A. GRCh37 (hg19) VCF-style: chr4-55592118-G-A.
Other names: c.1442G>A, p.Ser481Asn (NM_001093772.2, NM_001385285.1, NM_001385286.1); c.1445G>A, p.Ser482Asn (NM_001385284.1, NM_001385288.1, NM_001385290.1 and 1 more transcripts); short protein forms S481N, S482N.
Identifiers: ClinVar variation 1461555 (VCV001461555.13), dbSNP rs1057506392, ClinGen allele CA356906404.
Genomic context (GRCh38, chr4:54,725,952, plus strand): 5'-CACTAAACTCATCTGGGCCACCGTTTGGAAAGCTAGTGGTTCAGAGTTCTATAGATTCTA[G>A]TGCATTCAAGCACAATGGCACGGTTGAATGTAAGGCTTACAACGATGTGGGCAAGACTTC-3'
Protein context (NP_000213.1, residues 471-491): KLVVQSSIDS[Ser481Asn]AFKHNGTVEC

ClinVar aggregate classification (germline): Uncertain significance (1 of 4 stars; one submission).

Conditions:
Gastrointestinal stromal tumor. Also called: Gastrointestinal stroma tumor; Gastrointestinal stromal tumor, somatic. Identifiers: Orphanet 44890, MedGen C0238198, MeSH D046152, MONDO:0011719, OMIM 606764, HP:0100723.

Submission:

Labcorp Genetics (formerly Invitae), Labcorp
Classification: Uncertain significance for Gastrointestinal stromal tumor. Last evaluated: 2025-11-30. Review status: criteria provided, single submitter. Criteria: Invitae Variant Classification Sherloc (09022015). Collection method: clinical testing. Allele origin: germline.
Comment: This sequence change replaces serine, which is neutral and polar, with asparagine, which is neutral and polar, at codon 481 of the KIT protein (p.Ser481Asn). This variant is not present in population databases (gnomAD no frequency). This variant has not been reported in the literature in individuals affected with KIT-related conditions. ClinVar contains an entry for this variant (Variation ID: 1461555). An algorithm developed to predict the effect of missense changes on protein structure and function outputs the following: PolyPhen-2: "Benign". The asparagine amino acid residue is found in multiple mammalian species, which suggests that this missense change does not adversely affect protein function. In summary, the available evidence is currently insufficient to determine the role of this variant in disease. Therefore, it has been classified as a Variant of Uncertain Significance.